The following is an entry in ClinVar:

ClinVar aggregate classification (germline): Benign (1 of 4 stars; one submission).

Conditions:
Neurodegeneration with brain iron accumulation 4 (NBIA4). Also called: MITOCHONDRIAL PROTEIN-ASSOCIATED NEURODEGENERATION. Identifiers: Orphanet 289560, MedGen C3280371, MONDO:0013674, OMIM 614298. Disease mechanism: loss of function.

Allele frequency attached by ClinVar (database versions not stated): ExAC 0.00046; gnomAD exomes 0.00119 and 0.00191; gnomAD 0.01025 and 0.01091; 1000 Genomes Project 30x 0.01062; 1000 Genomes Project 0.01078; TOPMed 0.01177.
gnomAD v4.1: 1,914 of 454,162 alleles (0.42%); highest among the groups gnomAD compares: African/African-American, 3.6%; 31 homozygotes.

Submission:

Illumina Laboratory Services, Illumina
Classification: Benign for Neurodegeneration with brain iron accumulation 4. Last evaluated: 2018-01-13. Review status: criteria provided, single submitter. Criteria: ICSL Variant Classification Criteria 13 December 2019. Collection method: clinical testing. Allele origin: germline.
Comment: This variant was observed in the ICSL laboratory as part of a predisposition screen in an ostensibly healthy population. It had not been previously curated by ICSL or reported in the Human Gene Mutation Database (HGMD: prior to June 1st, 2018), and was therefore a candidate for classification through an automated scoring system. Utilizing variant allele frequency, disease prevalence and penetrance estimates, and inheritance mode, an automated score was calculated to assess if this variant is too frequent to cause the disease. Based on the score and internal cut-off values, a variant classified as benign is not then subjected to further curation. The score for this variant resulted in a classification of benign for this disease.

NM_031448.6(C19orf12):c.*1666G>A

Gene: C19orf12 (chromosome 19 open reading frame 12; minus strand). Cytogenetic location: 19q12.
Variant type: single nucleotide variant.
Coding change: c.*1666G>A on transcript NM_031448.6 (MANE Select); 1666 bases downstream of the stop codon, G replaced by A.
Molecular consequence: 3 prime UTR variant.
Genome position (GRCh38, 1-based): chr19:29,701,046, C>T on the plus strand (G>A on the coding strand, the complement: C19orf12 is on the minus strand). VCF-style: chr19-29701046-C-T. GRCh37 (hg19) VCF-style: chr19-30191953-C-T.
Other names: c.*1666G>A (NM_001031726.4, NM_001256047.2, NM_001282929.1 and 2 more transcripts); c.*1713G>A (NM_001256046.3).
Identifiers: ClinVar variation 888879 (VCV000888879.4), dbSNP rs116378078, ClinGen allele CA9351730.